The following is an entry in ClinVar:

ClinVar aggregate classification (germline): Likely pathogenic (1 of 4 stars; one submission).

Conditions:
Retinitis pigmentosa 12 (RP12). Also called: RP WITH OR WITHOUT PPRPE; RP WITH OR WITHOUT PRESERVED PARAARTERIOLE RETINAL PIGMENT EPITHELIUM; RETINITIS PIGMENTOSA WITH OR WITHOUT PARAARTERIOLAR PRESERVATION OF RETINAL PIGMENT EPITHELIUM. Identifiers: Orphanet 791, MedGen C1838647, MONDO:0010818, OMIM 600105.

Submission:

3billion
Classification: Likely pathogenic for Retinitis pigmentosa 12. Last evaluated: 2022-01-03. Review status: criteria provided, single submitter. Criteria: ACMG Guidelines, 2015. Collection method: clinical testing. Allele origin: germline. Affected: yes. Observed: 1 homozygote.
Comment: Frameshift: predicted to result in a loss or disruption of normal protein function through nonsense-mediated decay (NMD) or protein truncation. Multiple pathogenic variants are reported downstream of the variant (PVS1_VS). It is not observed in the gnomAD v2.1.1 dataset (PM2_M). Therefore, this variant is classified as likely pathogenic according to the recommendation of ACMG/AMP guideline.

NM_201253.3(CRB1):c.3070del (p.Thr1024fs)

Gene: CRB1 (crumbs cell polarity complex component 1; plus strand). Cytogenetic location: 1q31.3.
Variant type: Deletion.
Coding change: c.3070del on transcript NM_201253.3 (MANE Select); coding-DNA position 3070, one base deleted (A; older notation c.3070delA).
Protein change: p.Thr1024fs; shifts the reading frame from threonine 1024.
Molecular consequence: frameshift variant. On other transcripts: non-coding transcript variant (2), intron variant (1).
Genome position (GRCh38, 1-based): chr1:197,434,933, A deleted. VCF-style (leftmost placement, unchanged base first): chr1-197434932-GA-G. GRCh37 (hg19) VCF-style: chr1-197404062-GA-G.
Other names: c.2734del, p.Thr912fs (NM_001193640.2); c.2998del, p.Thr1000fs (NM_001257965.2); c.2129-667del (NM_001257966.2); short protein forms T1000fs, T1024fs, T912fs.
Identifiers: ClinVar variation 1333414 (VCV001333414.1), dbSNP rs2125499361, ClinGen allele CA2573051458.